The following is an entry in ClinVar:

NM_024675.4(PALB2):c.838A>C (p.Asn280His)

Gene: PALB2 (partner and localizer of BRCA2; minus strand). Cytogenetic location: 16p12.2.
Variant type: single nucleotide variant.
Coding change: c.838A>C on transcript NM_024675.4 (MANE Select); coding-DNA position 838, A replaced by C.
Protein change: p.Asn280His; replaces asparagine 280 with histidine.
Molecular consequence: missense variant.
Genome position (GRCh38, 1-based): chr16:23,635,708, T>G on the plus strand (A>C on the coding strand, the complement: PALB2 is on the minus strand). VCF-style: chr16-23635708-T-G. GRCh37 (hg19) VCF-style: chr16-23647029-T-G.
Other names: short protein forms N280H.
Identifiers: ClinVar variation 568879 (VCV000568879.10), dbSNP rs1567222209, ClinGen allele CA395135918.

ClinVar aggregate classification (germline): Uncertain significance. Review status: criteria provided, multiple submitters, no conflicts (2 of 4 stars). 2 submissions from 2 submitters: Uncertain significance (2). Last evaluated 2025-11-17.

Conditions:
Hereditary cancer-predisposing syndrome. Also called: Neoplastic Syndromes, Hereditary; Tumor predisposition; Hereditary neoplastic syndrome; Hereditary Cancer Syndrome. Identifiers: Orphanet 140162, MedGen C0027672, MeSH D009386, MONDO:0015356.
Familial cancer of breast. Also called: BREAST CANCER, FAMILIAL; Hereditary breast cancer; hereditary breast carcinoma. Identifiers: Orphanet 227535, MedGen C0346153, MONDO:0016419, OMIM 114480. Disease mechanism: loss of function.

Submissions (2):

Ambry Genetics
Classification: Uncertain significance for Hereditary cancer-predisposing syndrome. Last evaluated: 2025-11-17. Review status: criteria provided, single submitter. Criteria: Ambry Variant Classification Scheme 2023. Collection method: clinical testing. Allele origin: germline.
Comment: The p.N280H variant (also known as c.838A>C), located in coding exon 4 of the PALB2 gene, results from an A to C substitution at nucleotide position 838. The asparagine at codon 280 is replaced by histidine, an amino acid with similar properties. This amino acid position is conserved. In addition, this alteration is predicted to be tolerated by in silico analysis. Based on the available evidence, the clinical significance of this variant remains unclear.

Labcorp Genetics (formerly Invitae), Labcorp
Classification: Uncertain significance for Familial cancer of breast. Last evaluated: 2018-03-15. Review status: criteria provided, single submitter. Criteria: Invitae Variant Classification Sherloc (09022015). Collection method: clinical testing. Allele origin: germline.
Comment: In summary, the available evidence is currently insufficient to determine the role of this variant in disease. Therefore, it has been classified as a Variant of Uncertain Significance. This sequence change replaces asparagine with histidine at codon 280 of the PALB2 protein (p.Asn280His). The asparagine residue is weakly conserved and there is a small physicochemical difference between asparagine and histidine. This variant is not present in population databases (ExAC no frequency). This variant has not been reported in the literature in individuals with PALB2-related disease. Algorithms developed to predict the effect of missense changes on protein structure and function do not agree on the potential impact of this missense change (SIFT: "Tolerated"; PolyPhen-2: "Possibly Damaging"; Align-GVGD: "Class C0").